The following is an entry in ClinVar:

NM_203446.3(SYNJ1):c.3584G>C (p.Arg1195Thr)

Gene: SYNJ1 (synaptojanin 1; minus strand). Cytogenetic location: 21q22.11.
Variant type: single nucleotide variant.
Coding change: c.3584G>C on transcript NM_203446.3 (MANE Select); coding-DNA position 3584, G replaced by C.
Protein change: p.Arg1195Thr; replaces arginine 1195 with threonine.
Molecular consequence: missense variant.
Genome position (GRCh38, 1-based): chr21:32,641,900, C>G on the plus strand (G>C on the coding strand, the complement: SYNJ1 is on the minus strand). VCF-style: chr21-32641900-C-G. GRCh37 (hg19) VCF-style: chr21-34014210-C-G.
Other names: c.3536G>C, p.Arg1179Thr (NM_001160302.2); c.3443G>C, p.Arg1148Thr (NM_001160306.2); c.3701G>C, p.Arg1234Thr (NM_003895.4); short protein forms R1179T, R1148T, R1195T, R1234T.
Identifiers: ClinVar variation 850502 (VCV000850502.8), dbSNP rs1336877948, ClinGen allele CA410065307.

ClinVar aggregate classification (germline): Uncertain significance. Review status: criteria provided, multiple submitters, no conflicts (2 of 4 stars). 2 submissions from 2 submitters: Uncertain significance (2). Last evaluated 2022-10-04.

Conditions:
Developmental and epileptic encephalopathy, 53. Also called: Epileptic encephalopathy, early infantile, 53. Identifiers: MedGen C4479313, MONDO:0033362, OMIM 617389.
Early-onset Parkinson disease 20. Also called: PARKINSON DISEASE 20, AUTOSOMAL RECESSIVE EARLY-ONSET. Identifiers: Orphanet 391411, MedGen C3809824, MONDO:0014233, OMIM 615530.
Inborn genetic diseases. Identifiers: MedGen C0950123, MeSH D030342.

Allele frequency attached by ClinVar (database versions not stated): TOPMed below 0.00001; gnomAD 0.00001; gnomAD exomes 0.00001.

Submissions (2):

Ambry Genetics
Classification: Uncertain significance for Inborn genetic diseases. Last evaluated: 2022-10-04. Review status: criteria provided, single submitter. Criteria: Ambry Variant Classification Scheme 2023. Collection method: clinical testing. Allele origin: germline.

Labcorp Genetics (formerly Invitae), Labcorp
Classification: Uncertain significance for Developmental and epileptic encephalopathy, 53; Early-onset Parkinson disease 20. Last evaluated: 2022-08-16. Review status: criteria provided, single submitter. Criteria: Invitae Variant Classification Sherloc (09022015). Collection method: clinical testing. Allele origin: germline.
Comment: This sequence change replaces arginine, which is basic and polar, with threonine, which is neutral and polar, at codon 1234 of the SYNJ1 protein (p.Arg1234Thr). This variant is not present in population databases (gnomAD no frequency). This variant has not been reported in the literature in individuals affected with SYNJ1-related conditions. ClinVar contains an entry for this variant (Variation ID: 850502). Algorithms developed to predict the effect of missense changes on protein structure and function are either unavailable or do not agree on the potential impact of this missense change (SIFT: "Deleterious"; PolyPhen-2: "Possibly Damaging"; Align-GVGD: "Class C0"). In summary, the available evidence is currently insufficient to determine the role of this variant in disease. Therefore, it has been classified as a Variant of Uncertain Significance.